The following is an entry in ClinVar:

NM_001127222.2(CACNA1A):c.4150A>C (p.Met1384Leu)

Genes: CACNA1A (calcium voltage-gated channel subunit alpha1 A; minus strand), LOC126862864 (MED14-independent group 3 enhancer GRCh37_chr19:13371552-13372751; plus strand). Cytogenetic location: 19p13.13.
Variant type: single nucleotide variant.
Coding change: c.4150A>C on transcript NM_001127222.2 (MANE Select); coding-DNA position 4150, A replaced by C.
Protein change: p.Met1384Leu; replaces methionine 1384 with leucine.
Molecular consequence: missense variant.
Genome position (GRCh38, 1-based): chr19:13,261,550, T>G on the plus strand (A>C on the coding strand, the complement: CACNA1A is on the minus strand). VCF-style: chr19-13261550-T-G. GRCh37 (hg19) VCF-style: chr19-13372364-T-G.
Other names: c.4162A>C, p.Met1388Leu (NM_000068.4, NM_023035.3); c.4153A>C, p.Met1385Leu (NM_001127221.2, NM_001174080.2); short protein forms M1384L, M1385L, M1388L.
Identifiers: ClinVar variation 1878867 (VCV001878867.2), dbSNP rs966799805, ClinGen allele CA305545884.

ClinVar aggregate classification (germline): Uncertain significance. Review status: criteria provided, multiple submitters, no conflicts (2 of 4 stars). 2 submissions from 2 submitters: Uncertain significance (2). Last evaluated 2025-12-29.

Conditions:
Inborn genetic diseases. Identifiers: MedGen C0950123, MeSH D030342.

Allele frequency attached by ClinVar (database versions not stated): gnomAD exomes below 0.00001; TOPMed below 0.00001.

Submissions (2):

Ambry Genetics
Classification: Uncertain significance for Inborn genetic diseases. Last evaluated: 2025-12-29. Review status: criteria provided, single submitter. Criteria: Ambry Variant Classification Scheme 2023. Collection method: clinical testing. Allele origin: germline.
Comment: The c.4153A>C (p.M1385L) alteration is located in exon 26 (coding exon 26) of the CACNA1A gene. This alteration results from a A to C substitution at nucleotide position 4153, causing the methionine (M) at amino acid position 1385 to be replaced by a leucine (L). Based on data from gnomAD, the C allele has an overall frequency of <0.001% (1/238526) total alleles studied. The highest observed frequency was 0.001% (1/108078) of European (non-Finnish) alleles. Based on insufficient or conflicting evidence, the clinical significance of this alteration remains unclear.

GeneDx
Classification: Uncertain significance. Last evaluated: 2022-07-14. Review status: criteria provided, single submitter. Criteria: GeneDx Variant Classification Process June 2021. Collection method: clinical testing. Allele origin: germline. Affected: yes.
Comment: Not observed at significant frequency in large population cohorts (gnomAD); In silico analysis supports that this missense variant does not alter protein structure/function; Has not been previously published as pathogenic or benign to our knowledge